The following is an entry in ClinVar:

ClinVar aggregate classification (germline): Uncertain significance. Review status: criteria provided, multiple submitters, no conflicts (2 of 4 stars). 2 submissions from 2 submitters: Uncertain significance (2). Last evaluated 2024-01-01.

Conditions:
Emery-Dreifuss muscular dystrophy 5, autosomal dominant (EDMD5). Also called: EMERY-DREIFUSS MUSCULAR DYSTROPHY 5. Identifiers: Orphanet 261, MedGen C2751805, MONDO:0013072, OMIM 612999.

Allele frequency attached by ClinVar (database versions not stated): gnomAD exomes below 0.00001.
gnomAD v4.1: 1 of 1,613,088 alleles (0.000062%); highest among the groups gnomAD compares: Middle Eastern, 0.017%; no homozygotes.

Submissions (2):

Daryl Scott Lab, Baylor College of Medicine
Classification: Uncertain significance for Emery-Dreifuss muscular dystrophy 5, autosomal dominant. Last evaluated: 2024-01-01. Review status: criteria provided, single submitter. Criteria: ACMG Guidelines, 2015. Collection method: clinical testing. Allele origin: unknown. Observed: 1 heterozygote.
Comment: PM2

Baylor Genetics
Classification: Uncertain significance for Emery-Dreifuss muscular dystrophy 5, autosomal dominant. Last evaluated: 2020-06-08. Review status: criteria provided, single submitter. Criteria: ACMG Guidelines, 2015. Collection method: clinical testing. Allele origin: unknown. Affected: yes.
Comment: This variant was determined to be of uncertain significance according to ACMG Guidelines, 2015 [PMID:25741868].

NM_182914.3(SYNE2):c.8825T>C (p.Ile2942Thr)

Gene: SYNE2 (spectrin repeat containing nuclear envelope protein 2; plus strand). Cytogenetic location: 14q23.2.
Variant type: single nucleotide variant.
Coding change: c.8825T>C on transcript NM_182914.3 (MANE Select); coding-DNA position 8825, T replaced by C.
Protein change: p.Ile2942Thr; replaces isoleucine 2942 with threonine.
Molecular consequence: missense variant.
Genome position (GRCh38, 1-based): chr14:64,052,738, T>C. VCF-style: chr14-64052738-T-C. GRCh37 (hg19) VCF-style: chr14-64519456-T-C.
Other names: c.8825T>C, p.Ile2942Thr (NM_015180.6); short protein forms I2942T.
Identifiers: ClinVar variation 1030385 (VCV001030385.2), dbSNP rs2097236781, ClinGen allele CA389971676.
Genomic context (GRCh38, chr14:64,052,738, plus strand): 5'-TTAGGACCAACAGAATACAAAGATTCATTCAGAATACATGTAATGAAGTGGAACACAAGA[T>C]AAAGTTTTGCAGACAATTCCATGAAAAAACATCAGCGCTTCAGGAGGAGGCTGACAGTAT-3'
Protein context (NP_878918.2, residues 2932-2952): QNTCNEVEHK[Ile2942Thr]KFCRQFHEKT